The following is an entry in ClinVar:

ClinVar aggregate classification (germline): Uncertain significance (1 of 4 stars; one submission).

gnomAD v4.1: 2 of 1,613,274 alleles (0.00012%); highest among the groups gnomAD compares: Non-Finnish European, 0.00017%; no homozygotes.

Submission:

Women's Health and Genetics/Laboratory Corporation of America, LabCorp
Classification: Uncertain significance. Last evaluated: 2022-10-28. Review status: criteria provided, single submitter. Criteria: LabCorp Variant Classification Summary - May 2015. Collection method: clinical testing. Allele origin: germline.
Comment: Variant summary: TCF20 c.5750-14C>A alters a nucleotide located close to a canonical splice site and therefore could affect mRNA splicing, leading to a significantly altered protein sequence. 4/4 computational tools predict no significant impact on normal splicing. However, these predictions have yet to be confirmed by functional studies. The variant was absent in 250758 control chromosomes (gnomAD). The available data on variant occurrences in the general population are insufficient to allow any conclusion about variant significance. To our knowledge, no occurrence of c.5750-14C>A in individuals affected with Developmental Delay With Variable Intellectual Impairment And Behavioral Abnormalities and no experimental evidence demonstrating its impact on protein function have been reported. No clinical diagnostic laboratories have submitted clinical-significance assessments for this variant to ClinVar after 2014. Based on the evidence outlined above, the variant was classified as uncertain significance.

NM_001378418.1(TCF20):c.5750-14C>A

Gene: TCF20 (transcription factor 20; minus strand). Cytogenetic location: 22q13.2.
Variant type: single nucleotide variant.
Coding change: c.5750-14C>A on transcript NM_001378418.1 (MANE Select); 14 bases into the intron before coding-DNA position 5750, C replaced by A.
Molecular consequence: intron variant.
Genome position (GRCh38, 1-based): chr22:42,169,910, G>T on the plus strand (C>A on the coding strand, the complement: TCF20 is on the minus strand). VCF-style: chr22-42169910-G-T. GRCh37 (hg19) VCF-style: chr22-42565916-G-T.
Other names: c.5750-14C>A (NM_005650.4, NM_181492.3).
Identifiers: ClinVar variation 1723413 (VCV001723413.1), dbSNP rs760562580, ClinGen allele CA2580099886.
Genomic context (GRCh38, chr22:42,169,910, plus strand): 5'-GTGCTTAGGGCACCTCACCGAGAAGTTCTCCTCATGTAGCAAACAATCTGGAAGACAGAA[G>T]GGGACAGTCAGATGGAGACTTCACAGCTGGACATAGGTGTGGTCATGCTGGCTGGGATTG-3'